The following is an entry in ClinVar:

NM_003322.6(TULP1):c.110C>T (p.Pro37Leu)

Gene: TULP1 (TUB like protein 1; minus strand). Cytogenetic location: 6p21.31.
Variant type: single nucleotide variant.
Coding change: c.110C>T on transcript NM_003322.6 (MANE Select); coding-DNA position 110, C replaced by T.
Protein change: p.Pro37Leu; replaces proline 37 with leucine.
Molecular consequence: missense variant.
Genome position (GRCh38, 1-based): chr6:35,512,260, G>A on the plus strand (C>T on the coding strand, the complement: TULP1 is on the minus strand). VCF-style: chr6-35512260-G-A. GRCh37 (hg19) VCF-style: chr6-35480037-G-A.
Other names: c.110C>T, p.Pro37Leu (NM_001289395.2); short protein forms P37L.
Identifiers: ClinVar variation 1429491 (VCV001429491.3), dbSNP rs1761225244, ClinGen allele CA363785134.
Genomic context (GRCh38, chr6:35,512,260, plus strand): 5'-GATCCCGTGGGGCAGGGGGATTCGGGGGCCTCCGTCCTCTTCTTCCTTAGCCTCTGTGCC[G>A]GGGCGGGTCGCTGCGGAACGGGGGTCAAGAGGAGGTCGAGGAAGGAAAGGGGGGCGCTGA-3'
Protein context (NP_003313.3, residues 27-47): APRRPKQRPA[Pro37Leu]AQRLRKKRTE

ClinVar aggregate classification (germline): Uncertain significance (1 of 4 stars; one submission).

gnomAD v4.1: 6 of 1,398,004 alleles (0.00043%); highest among the groups gnomAD compares: Non-Finnish European, 0.00056%; no homozygotes.

Submission:

Labcorp Genetics (formerly Invitae), Labcorp
Classification: Uncertain significance. Last evaluated: 2021-11-15. Review status: criteria provided, single submitter. Criteria: Invitae Variant Classification Sherloc (09022015). Collection method: clinical testing. Allele origin: germline.
Comment: This sequence change replaces proline, which is neutral and non-polar, with leucine, which is neutral and non-polar, at codon 37 of the TULP1 protein (p.Pro37Leu). This variant is not present in population databases (gnomAD no frequency). This variant has not been reported in the literature in individuals affected with TULP1-related conditions. Algorithms developed to predict the effect of missense changes on protein structure and function output the following: SIFT: "Not Available"; PolyPhen-2: "Benign"; Align-GVGD: "Not Available". The leucine amino acid residue is found in multiple mammalian species, which suggests that this missense change does not adversely affect protein function. In summary, the available evidence is currently insufficient to determine the role of this variant in disease. Therefore, it has been classified as a Variant of Uncertain Significance.